The following is an entry in ClinVar:

ClinVar aggregate classification (germline): Uncertain significance. Review status: criteria provided, multiple submitters, no conflicts (2 of 4 stars). 2 submissions from 2 submitters: Uncertain significance (2). Last evaluated 2026-01-07.

Conditions:
Brain small vessel disease 1 with or without ocular anomalies (BSVD1). Also called: GOULD SYNDROME 1; Brain small vessel disease with or without ocular anomalies; PORENCEPHALY, TYPE 1, AUTOSOMAL DOMINANT; BRAIN SMALL VESSEL DISEASE WITH HEMORRHAGE. Identifiers: Orphanet 2940, Orphanet 36383, Orphanet 99810, MedGen C4755307, MONDO:0008289, OMIM 175780.
Hemorrhage, intracerebral, susceptibility to (ICH). Also called: Stroke, hemorrhagic, susceptibility to. Identifiers: MedGen C3281105, MONDO:0100533, OMIM 614519.
Retinal arterial tortuosity. Also called: RETINAL HEMORRHAGE WITH VASCULAR TORTUOSITY; Retinal arteries, tortuosity of. Identifiers: Orphanet 75326, MedGen C0423401, MONDO:0008373, OMIM 180000, HP:0000631.
Autosomal dominant familial hematuria-retinal arteriolar tortuosity-contractures syndrome. Also called: Angiopathy, hereditary, with nephropathy, aneurysms, and muscle cramps; Hereditary Angiopathy with Nephropathy, Aneurysms, and Muscle Cramps (HANAC) Syndrome. Identifiers: Orphanet 73229, MedGen C2673195, MONDO:0012726, OMIM 611773.
Microangiopathy and leukoencephalopathy, pontine, autosomal dominant. Also called: Pontine autosomal dominant microangiopathy with leukoencephalopathy; DEMENTIA, HEREDITARY MULTI-INFARCT, SWEDISH TYPE. Identifiers: Orphanet 477749, MedGen C5231411, MONDO:0032814, OMIM 618564.

Allele frequency attached by ClinVar (database versions not stated): ExAC 0.00003; gnomAD exomes 0.00003; TOPMed 0.00007; gnomAD 0.00008; ESP Exome Variant Server 0.00023.
gnomAD v4.1: 98 of 1,613,716 alleles (0.0061%); highest among the groups gnomAD compares: Admixed American, 0.01%; no homozygotes.

Submissions (2):

Labcorp Genetics (formerly Invitae), Labcorp
Classification: Uncertain significance. Last evaluated: 2026-01-07. Review status: criteria provided, single submitter. Criteria: Invitae Variant Classification Sherloc (09022015). Collection method: clinical testing. Allele origin: germline.
Comment: This sequence change replaces glycine, which is neutral and non-polar, with arginine, which is basic and polar, at codon 168 of the COL4A1 protein (p.Gly168Arg). This variant is present in population databases (rs144171664, gnomAD 0.006%). This missense change has been observed in individual(s) with primary glaucoma (PMID: 26310487). ClinVar contains an entry for this variant (Variation ID: 1510164). Invitae Evidence Modeling of protein sequence and biophysical properties (such as structural, functional, and spatial information, amino acid conservation, physicochemical variation, residue mobility, and thermodynamic stability) indicates that this missense variant is not expected to disrupt COL4A1 protein function with a negative predictive value of 95%. In summary, the available evidence is currently insufficient to determine the role of this variant in disease. Therefore, it has been classified as a Variant of Uncertain Significance.

Fulgent Genetics
Classification: Uncertain significance for Brain small vessel disease 1 with or without ocular anomalies; Retinal arterial tortuosity; Autosomal dominant familial hematuria-retinal arteriolar tortuosity-contractures syndrome; Hemorrhage, intracerebral, susceptibility to; Microangiopathy and leukoencephalopathy, pontine, autosomal dominant. Last evaluated: 2024-05-13. Review status: criteria provided, single submitter. Criteria: ACMG Guidelines, 2015. Collection method: clinical testing. Allele origin: germline.

Literature cited by the submitters: PubMed 26310487 (cited by Labcorp Genetics (formerly Invitae), Labcorp).

NM_001845.6(COL4A1):c.502G>A (p.Gly168Arg)

Gene: COL4A1 (collagen type IV alpha 1 chain; minus strand). Cytogenetic location: 13q34.
Variant type: single nucleotide variant.
Coding change: c.502G>A on transcript NM_001845.6 (MANE Select); coding-DNA position 502, G replaced by A.
Protein change: p.Gly168Arg; replaces glycine 168 with arginine.
Molecular consequence: missense variant.
Genome position (GRCh38, 1-based): chr13:110,210,179, C>T on the plus strand (G>A on the coding strand, the complement: COL4A1 is on the minus strand). VCF-style: chr13-110210179-C-T. GRCh37 (hg19) VCF-style: chr13-110862526-C-T.
Other names: c.502G>A, p.Gly168Arg (NM_001303110.2); short protein forms G168R.
Identifiers: ClinVar variation 1510164 (VCV001510164.10), dbSNP rs144171664, ClinGen allele CA7048472.
Genomic context (GRCh38, chr13:110,210,179, plus strand): 5'-AAATGCTTACTGGAGTCCCTGGGATTCCGGGAAATCCTCTTTCACCTTTCAACAGCATCC[C>T]GGGCACATGGCCAAGTATCTCACCTGGATCACCCTAGAGGATGAAGAAAGAAAATAGAAA-3'
Protein context (NP_001836.3, residues 158-178): DPGEILGHVP[Gly168Arg]MLLKGERGFP